The following is an entry in ClinVar:

ClinVar aggregate classification (germline): Uncertain significance (1 of 4 stars; one submission).

Allele frequency attached by ClinVar (database versions not stated): TOPMed below 0.00001; gnomAD 0.00001; gnomAD exomes 0.00001.
gnomAD v4.1: 7 of 1,613,944 alleles (0.00043%); highest among the groups gnomAD compares: Non-Finnish European, 0.00059%; no homozygotes.

Submission:

Labcorp Genetics (formerly Invitae), Labcorp
Classification: Uncertain significance. Last evaluated: 2022-09-25. Review status: criteria provided, single submitter. Criteria: Invitae Variant Classification Sherloc (09022015). Collection method: clinical testing. Allele origin: germline.
Comment: This sequence change replaces glycine, which is neutral and non-polar, with glutamic acid, which is acidic and polar, at codon 1672 of the CAMTA1 protein (p.Gly1672Glu). This variant is not present in population databases (gnomAD no frequency). This variant has not been reported in the literature in individuals affected with CAMTA1-related conditions. Algorithms developed to predict the effect of missense changes on protein structure and function are either unavailable or do not agree on the potential impact of this missense change (SIFT: "Tolerated"; PolyPhen-2: "Probably Damaging"; Align-GVGD: "Class C0"). In summary, the available evidence is currently insufficient to determine the role of this variant in disease. Therefore, it has been classified as a Variant of Uncertain Significance.

NM_015215.4(CAMTA1):c.5015G>A (p.Gly1672Glu)

Gene: CAMTA1 (calmodulin binding transcription activator 1; plus strand). Cytogenetic location: 1p36.23.
Variant type: single nucleotide variant.
Coding change: c.5015G>A on transcript NM_015215.4 (MANE Select); coding-DNA position 5015, G replaced by A.
Protein change: p.Gly1672Glu; replaces glycine 1672 with glutamic acid.
Molecular consequence: missense variant.
Genome position (GRCh38, 1-based): chr1:7,766,484, G>A. VCF-style: chr1-7766484-G-A. GRCh37 (hg19) VCF-style: chr1-7826544-G-A.
Other names: c.4925G>A, p.Gly1642Glu (NM_001349608.2); c.4666G>A, p.Glu1556Lys (NM_001349609.2); c.4691G>A, p.Gly1564Glu (NM_001349610.2); c.4607G>A, p.Gly1536Glu (NM_001349612.2); c.2113G>A, p.Glu705Lys (NM_001349613.1); c.2077G>A, p.Glu693Lys (NM_001349614.1, NM_001349615.2); c.2108G>A, p.Gly703Glu (NM_001349616.2); c.2087G>A, p.Gly696Glu (NM_001349617.1, NM_001349618.2); and 6 more; short protein forms E573K, E705K, G1536E, G696E, E1525K, E693K, G1642E, G590E.
Identifiers: ClinVar variation 1947970 (VCV001947970.5), dbSNP rs2097025840, ClinGen allele CA338148522.